The following is an entry in ClinVar:

ClinVar aggregate classification (germline): Pathogenic. Review status: reviewed by expert panel (3 of 4 stars). 6 submissions from 6 submitters: Pathogenic (1). 5 of the submissions do not count toward it. Last evaluated 2016-09-08.

Conditions:
Hereditary cancer-predisposing syndrome. Also called: Hereditary Cancer Syndrome; Neoplastic Syndromes, Hereditary; Hereditary neoplastic syndrome; Tumor predisposition. Identifiers: Orphanet 140162, MedGen C0027672, MeSH D009386, MONDO:0015356.
Hereditary breast ovarian cancer syndrome. Also called: Hereditary breast and ovarian cancer syndrome (HBOC); Breast and ovarian cancer; Hereditary breast and ovarian cancer syndrome; Hereditary breast and ovarian cancer; BRCA1- and BRCA2-Associated Hereditary Breast and Ovarian Cancer; Hereditary breast and/or ovarian cancer syndrome. Identifiers: Orphanet 145, MedGen C0677776, MeSH D061325, MONDO:0003582. Disease mechanism: loss of function.
Breast-ovarian cancer, familial, susceptibility to, 1 (BROVCA1). Also called: BRCA1 Hereditary Breast and Ovarian Cancer; OVARIAN CANCER, SUSCEPTIBILITY TO. Identifiers: Orphanet 145, MedGen C2676676, MONDO:0011450, OMIM 604370. Disease mechanism: loss of function.

Submissions (7):

Evidence-based Network for the Interpretation of Germline Mutant Alleles (ENIGMA)
Classification: Pathogenic for Breast-ovarian cancer, familial, susceptibility to, 1. Last evaluated: 2016-09-08. Review status: reviewed by expert panel. Criteria: ENIGMA BRCA1/2 Classification Criteria (2015). Collection method: curation. Allele origin: germline.
Comment: Variant allele predicted to encode a truncated non-functional protein.

Labcorp Genetics (formerly Invitae), Labcorp
Classification: Pathogenic for Hereditary breast ovarian cancer syndrome. Last evaluated: 2023-06-04. Review status: criteria provided, single submitter. Criteria: Invitae Variant Classification Sherloc (09022015). Collection method: clinical testing. Allele origin: germline. Not counted in ClinVar's aggregate classification.
Comment: This premature translational stop signal has been observed in individual(s) with hereditary breast and/or ovarian cancer (PMID: 27157322, 29446198, 30078507, 30702160). This variant is not present in population databases (gnomAD no frequency). This sequence change creates a premature translational stop signal (p.Gln94*) in the BRCA1 gene. It is expected to result in an absent or disrupted protein product. Loss-of-function variants in BRCA1 are known to be pathogenic (PMID: 20104584). For these reasons, this variant has been classified as Pathogenic. Algorithms developed to predict the effect of sequence changes on RNA splicing suggest that this variant may disrupt the consensus splice site. ClinVar contains an entry for this variant (Variation ID: 254372).

Color Diagnostics, LLC DBA Color Health
Classification: Pathogenic for Hereditary cancer-predisposing syndrome. Last evaluated: 2022-11-07. Review status: criteria provided, single submitter. Criteria: ACMG Guidelines, 2015. Collection method: clinical testing. Allele origin: germline. Not counted in ClinVar's aggregate classification.
Comment: This variant changes 1 nucleotide in exon 5 of the BRCA1 gene, creating a premature translation stop signal. This variant is expected to result in an absent or non-functional protein product. Splice site prediction tools indicate that this variant may impact splicing. A functional study has reported that this variant impacts BRCA1 function in a haploid cell proliferation assay and it also reduces the abundance of BRCA1 mRNA (PMID: 30209399). This variant has been reported in an individual affected with breast cancer (PMID: 26187060). This variant has not been identified in the general population by the Genome Aggregation Database (gnomAD). Loss of BRCA1 function is a known mechanism of disease. Based on the available evidence, this variant is classified as Pathogenic.

Ambry Genetics
Classification: Pathogenic for Hereditary cancer-predisposing syndrome. Last evaluated: 2021-12-31. Review status: criteria provided, single submitter. Criteria: Ambry Variant Classification Scheme 2023. Collection method: clinical testing. Allele origin: germline. Not counted in ClinVar's aggregate classification.
Comment: The p.Q94* pathogenic mutation (also known as c.280C>T), located in coding exon 4 of the BRCA1 gene, results from a C to T substitution at nucleotide position 280. This changes the amino acid from a glutamine to a stop codon within coding exon 4. This alteration has been reported in individuals diagnosed with breast and/or ovarian cancer (Kwong A et al. J Mol Diagn. 2016 07;18:580-94; Norquist BM et al. JAMA Oncol, 2016 Apr;2:482-90). One functional study found that this nucleotide substitution is non-functional in a high-throughput, genome editing, haploid cell survival assay (Findlay GM et al. Nature, 2018 10;562:217-222). This alteration was also identified in a large, worldwide study of BRCA1/2 mutation positive families (Rebbeck TR et al. Hum Mutat, 2018 05;39:593-620). This variant is considered to be rare based on population cohorts in the Genome Aggregation Database (gnomAD). In addition to the clinical data presented in the literature, this alteration is expected to result in loss of function by premature protein truncation or nonsense-mediated mRNA decay. As such, this alteration is interpreted as a disease-causing mutation.

Women's Health and Genetics/Laboratory Corporation of America, LabCorp
Classification: Pathogenic for Hereditary breast and ovarian cancer syndrome. Last evaluated: 2018-07-12. Review status: criteria provided, single submitter. Criteria: LabCorp Variant Classification Summary - May 2015. Collection method: clinical testing. Allele origin: germline. Not counted in ClinVar's aggregate classification.
Comment: Variant summary: BRCA1 c.280C>T (p.Gln94X) results in a premature termination codon, predicted to cause a truncation of the encoded protein or absence of the protein due to nonsense mediated decay, which are commonly known mechanisms for disease. Truncations downstream of this position have been classified as pathogenic by our laboratory (eg. c.303T>G, p.Tyr101X; c.427G>T, p.Glu143X; c.470_471delCT, p.Ser157X). The variant was absent in 121322 control chromosomes (ExAC). The variant, c.280C>T, has been reported in the literature in individuals affected with Hereditary Breast and Ovarian Cancer (Kwong_2016). To our knowledge, no experimental evidence demonstrating an impact on protein function has been reported. Two clinical diagnostic laboratories have submitted clinical-significance assessments for this variant to ClinVar after 2014 without evidence for independent evaluation. Both laboratories classified the variant as pathogenic. Based on the evidence outlined above, the variant was classified as pathogenic.

Consortium of Investigators of Modifiers of BRCA1/2 (CIMBA), c/o University of Cambridge
Classification: Pathogenic for Breast-ovarian cancer, familial, susceptibility to, 1. Last evaluated: 2015-10-02. Review status: criteria provided, single submitter. Criteria: CIMBA Mutation Classification guidelines May 2016. Collection method: clinical testing. Allele origin: germline. Not counted in ClinVar's aggregate classification.

Brotman Baty Institute, University of Washington
No classification provided (evidence only). Condition: Breast-ovarian cancer, familial 1. Review status: no classification provided. Collection method: in vitro. Allele origin: not applicable. Functional consequence: functionally_abnormal. Not counted in ClinVar's aggregate classification.
ClinVar note: "not provided" was previously submitted as the classification for the variant. However, the classification appeared to be based only on an observation of functional data so it was converted to no classification on 2025-07-30.

Literature cited by the submitters: PubMed 27157322 (cited by Labcorp Genetics (formerly Invitae), Labcorp and Ambry Genetics); PubMed 29446198 (cited by Labcorp Genetics (formerly Invitae), Labcorp and Ambry Genetics); PubMed 30078507 (cited by Labcorp Genetics (formerly Invitae), Labcorp); PubMed 30702160 (cited by Labcorp Genetics (formerly Invitae), Labcorp); PubMed 20104584 (cited by Labcorp Genetics (formerly Invitae), Labcorp); PubMed 26187060 (cited by Color Diagnostics, LLC DBA Color Health and Women's Health and Genetics/Laboratory Corporation of America, LabCorp); PubMed 30209399 (cited by Color Diagnostics, LLC DBA Color Health and Ambry Genetics); PubMed 26720728 (cited by Ambry Genetics); PubMed 18403564 (cited by Women's Health and Genetics/Laboratory Corporation of America, LabCorp).

NM_007294.4(BRCA1):c.280C>T (p.Gln94Ter)

Gene: BRCA1 (BRCA1 DNA repair associated; minus strand). Cytogenetic location: 17q21.31.
Variant type: single nucleotide variant.
Coding change: c.280C>T on transcript NM_007294.4 (MANE Select); coding-DNA position 280, C replaced by T.
Protein change: p.Gln94Ter; replaces glutamine 94 with a stop codon.
Molecular consequence: nonsense. On other transcripts: non-coding transcript variant (1).
Genome position (GRCh38, 1-based): chr17:43,104,889, G>A on the plus strand (C>T on the coding strand, the complement: BRCA1 is on the minus strand). VCF-style: chr17-43104889-G-A. GRCh37 (hg19) VCF-style: chr17-41256906-G-A.
Other names: c.148C>T, p.Gln50Ter (NM_001408451.1); c.139C>T, p.Gln47Ter (NM_001408452.1, NM_001408453.1, NM_001408454.1 and 99 more transcripts); c.280C>T, p.Gln94Ter (NM_001408472.1, NM_001408473.1, NM_001408494.1 and 168 more transcripts); c.202C>T, p.Gln68Ter (NM_001408474.1, NM_001408475.1, NM_001408476.1 and 21 more transcripts); c.70C>T, p.Gln24Ter (NM_001408478.1, NM_001408479.1, NM_001408480.1 and 58 more transcripts); c.-102C>T (NM_001408510.1, NM_001408512.1, NM_001407959.1 and 4 more transcripts); short protein forms Q94*, Q47*, Q68*, Q24*, Q50*.
Identifiers: ClinVar variation 254372 (VCV000254372.22), dbSNP rs886037972, ClinGen allele CA10586672.
Genomic context (GRCh38, chr17:43,104,889, plus strand): 5'-CAGCACTTGAGTGTCATTCTTGGGATATTCAACACTTACACTCCAAACCTGTGTCAAGCT[G>A]AAAAGCACAAATGATTTTCAATAGCTCTTCAACAAGTTGACTAAATCTCGTACTTTCTTG-3'